The following is an entry in ClinVar:

ClinVar aggregate classification (germline): Uncertain significance (1 of 4 stars; one submission).

Conditions:
Duchenne muscular dystrophy (DMD). Also called: MUSCULAR DYSTROPHY, PSEUDOHYPERTROPHIC PROGRESSIVE, DUCHENNE TYPE; Duchenne Muscular Dystrophy (DMD). Identifiers: Orphanet 98896, MedGen C0013264, MONDO:0010679, OMIM 310200.

gnomAD v4.1: 2 of 1,210,340 alleles (0.00017%); highest among the groups gnomAD compares: African/African-American, 0.0017%; no homozygotes.

Submission:

Labcorp Genetics (formerly Invitae), Labcorp
Classification: Uncertain significance for Duchenne muscular dystrophy. Last evaluated: 2021-02-15. Review status: criteria provided, single submitter. Criteria: Invitae Variant Classification Sherloc (09022015). Collection method: clinical testing. Allele origin: germline.
Comment: In summary, the available evidence is currently insufficient to determine the role of this variant in disease. Therefore, it has been classified as a Variant of Uncertain Significance. This sequence change replaces valine with glutamic acid at codon 260 of the DMD protein (p.Val260Glu). The valine residue is highly conserved and there is a moderate physicochemical difference between valine and glutamic acid. This variant is not present in population databases (ExAC no frequency). This variant has not been reported in the literature in individuals with DMD-related conditions. Algorithms developed to predict the effect of missense changes on protein structure and function are either unavailable or do not agree on the potential impact of this missense change (SIFT: "Deleterious"; PolyPhen-2: "Benign"; Align-GVGD: "Class C65").

NM_004006.3(DMD):c.779T>A (p.Val260Glu)

Gene: DMD (dystrophin; minus strand). Cytogenetic location: Xp21.1.
Variant type: single nucleotide variant.
Coding change: c.779T>A on transcript NM_004006.3 (MANE Select); coding-DNA position 779, T replaced by A.
Protein change: p.Val260Glu; replaces valine 260 with glutamic acid.
Molecular consequence: missense variant.
Genome position (GRCh38, 1-based): chrX:32,699,164, A>T on the plus strand (T>A on the coding strand, the complement: DMD is on the minus strand). VCF-style: chrX-32699164-A-T. GRCh37 (hg19) VCF-style: chrX-32717281-A-T.
Other names: c.755T>A, p.Val252Glu (NM_000109.4); c.767T>A, p.Val256Glu (NM_004009.3); c.410T>A, p.Val137Glu (NM_004010.3); short protein forms V252E, V256E, V137E, V260E.
Identifiers: ClinVar variation 1524242 (VCV001524242.8), dbSNP rs2147604235, ClinGen allele CA412668899.